The following is an entry in ClinVar:

NM_000234.3(LIG1):c.545C>T (p.Thr182Ile)

Gene: LIG1 (DNA ligase 1; minus strand). Cytogenetic location: 19q13.33.
Variant type: single nucleotide variant.
Coding change: c.545C>T on transcript NM_000234.3 (MANE Select); coding-DNA position 545, C replaced by T.
Protein change: p.Thr182Ile; replaces threonine 182 with isoleucine.
Molecular consequence: missense variant. On other transcripts: non-coding transcript variant (6), intron variant (1).
Genome position (GRCh38, 1-based): chr19:48,151,261, G>A on the plus strand (C>T on the coding strand, the complement: LIG1 is on the minus strand). VCF-style: chr19-48151261-G-A. GRCh37 (hg19) VCF-style: chr19-48654518-G-A.
Other names: c.452C>T, p.Thr151Ile (NM_001289063.2); c.542C>T, p.Thr181Ile (NM_001320970.2); c.455C>T, p.Thr152Ile (NM_001320971.2); c.371-1051C>T (NM_001289064.2); short protein forms T151I, T181I, T152I, T182I.
Identifiers: ClinVar variation 1517528 (VCV001517528.7), dbSNP rs376033078, ClinGen allele CA9547251.
Genomic context (GRCh38, chr19:48,151,261, plus strand): 5'-GGCAGGGCGGAGGAGAGGACCAGAAACTCACTGGAGGTCTTTAGGGGCTTGGGAGGCGTG[G>A]TGGGCTGGTCCCCGTCTTCTCCTTCCTTCTCTGTGGCCACTTCAGCCTCTGTGAGGCTTT-3'
Protein context (NP_000225.1, residues 172-192): EKEGEDGDQP[Thr182Ile]TPPKPLKTSK

ClinVar aggregate classification (germline): Uncertain significance (1 of 4 stars; one submission).

Allele frequency attached by ClinVar (database versions not stated): gnomAD exomes 0.00001 and 0.00002; ExAC 0.00002; TOPMed 0.00002; gnomAD 0.00003; ESP Exome Variant Server 0.00008.
gnomAD v4.1: 13 of 1,613,548 alleles (0.00081%); highest among the groups gnomAD compares: Non-Finnish European, 0.0011%; no homozygotes.

Submission:

Labcorp Genetics (formerly Invitae), Labcorp
Classification: Uncertain significance. Last evaluated: 2021-03-19. Review status: criteria provided, single submitter. Criteria: Invitae Variant Classification Sherloc (09022015). Collection method: clinical testing. Allele origin: germline.
Comment: In summary, the available evidence is currently insufficient to determine the role of this variant in disease. Therefore, it has been classified as a Variant of Uncertain Significance. Algorithms developed to predict the effect of missense changes on protein structure and function output the following: SIFT: "Tolerated"; PolyPhen-2: "Benign"; Align-GVGD: "Class C0". The isoleucine amino acid residue is found in multiple mammalian species, suggesting that this missense change does not adversely affect protein function. These predictions have not been confirmed by published functional studies and their clinical significance is uncertain. This variant has not been reported in the literature in individuals with LIG1-related conditions. This variant is present in population databases (rs376033078, ExAC 0.004%). This sequence change replaces threonine with isoleucine at codon 182 of the LIG1 protein (p.Thr182Ile). The threonine residue is weakly conserved and there is a moderate physicochemical difference between threonine and isoleucine.